The following is an entry in ClinVar:

ClinVar aggregate classification (germline): Uncertain significance (1 of 4 stars; one submission).

Conditions:
Charcot-Marie-Tooth disease type 4. Also called: Charcot-Marie-Tooth disease, type IV; Charcot-Marie-Tooth, Type 4. Identifiers: Orphanet 64749, MedGen C4082197, MONDO:0018995.

gnomAD v4.1: 13 of 1,614,182 alleles (0.00081%); highest among the groups gnomAD compares: Non-Finnish European, 0.0011%; no homozygotes.

Submission:

Labcorp Genetics (formerly Invitae), Labcorp
Classification: Uncertain significance for Charcot-Marie-Tooth disease type 4. Last evaluated: 2024-08-16. Review status: criteria provided, single submitter. Criteria: Invitae Variant Classification Sherloc (09022015). Collection method: clinical testing. Allele origin: germline.
Comment: This sequence change replaces serine, which is neutral and polar, with arginine, which is basic and polar, at codon 1303 of the SBF2 protein (p.Ser1303Arg). This variant is present in population databases (no rsID available, gnomAD 0.0009%). This variant has not been reported in the literature in individuals affected with SBF2-related conditions. Invitae Evidence Modeling of protein sequence and biophysical properties (such as structural, functional, and spatial information, amino acid conservation, physicochemical variation, residue mobility, and thermodynamic stability) indicates that this missense variant is not expected to disrupt SBF2 protein function with a negative predictive value of 80%. In summary, the available evidence is currently insufficient to determine the role of this variant in disease. Therefore, it has been classified as a Variant of Uncertain Significance.

NM_030962.4(SBF2):c.3907A>C (p.Ser1303Arg)

Gene: SBF2 (SET binding factor 2; minus strand). Cytogenetic location: 11p15.4.
Variant type: single nucleotide variant.
Coding change: c.3907A>C on transcript NM_030962.4 (MANE Select); coding-DNA position 3907, A replaced by C.
Protein change: p.Ser1303Arg; replaces serine 1303 with arginine.
Molecular consequence: missense variant.
Genome position (GRCh38, 1-based): chr11:9,816,911, T>G on the plus strand (A>C on the coding strand, the complement: SBF2 is on the minus strand). VCF-style: chr11-9816911-T-G. GRCh37 (hg19) VCF-style: chr11-9838458-T-G.
Other names: c.4003A>C, p.Ser1335Arg (NM_001386339.1); c.3778A>C, p.Ser1260Arg (NM_001386342.1); c.3943A>C, p.Ser1315Arg (NM_001424318.1, NM_001425070.1); c.3802A>C, p.Ser1268Arg (NM_001425069.1); short protein forms S1260R, S1268R, S1303R, S1315R, S1335R.
Identifiers: ClinVar variation 3628498 (VCV003628498.2).
Genomic context (GRCh38, chr11:9,816,911, plus strand): 5'-ACTTTTCACCAAATATGTAAAGGGCTGCTTGCCGTTTCAAGAGCTGGTTTTGTAGGTAGC[T>G]GCTGTTACTGAAGGAGGCCGAGTGATCCTTGCCTGCCAGCCGGGCGCCAACATCAATGAA-3'
Protein context (NP_112224.1, residues 1293-1313): KDHSASFSNS[Ser1303Arg]YLQNQLLKRQ